The following is an entry in ClinVar:

ClinVar aggregate classification (germline): Uncertain significance. Review status: criteria provided, multiple submitters, no conflicts (2 of 4 stars). 2 submissions from 2 submitters: Uncertain significance (2). Last evaluated 2025-12-11.

Conditions:
Juvenile myelomonocytic leukemia (JMML). Also called: LEUKEMIA, JUVENILE MYELOMONOCYTIC, SOMATIC. Identifiers: Orphanet 86834, MedGen C0349639, MONDO:0011908, OMIM 607785, HP:0012209.
Metachondromatosis (METCDS). Identifiers: Orphanet 2499, MedGen C0410530, MONDO:0007979, OMIM 156250.
Noonan syndrome 1 (NS1). Also called: PTPN11-Related Noonan Syndrome; FEMALE PSEUDO-TURNER SYNDROME; TURNER PHENOTYPE WITH NORMAL KARYOTYPE. Identifiers: Orphanet 648, MedGen C4551602, MONDO:0008104, OMIM 163950. Disease mechanism: gain of function.
LEOPARD syndrome 1 (LPRD1). Also called: LENTIGINOSIS, CARDIOMYOPATHIC; MULTIPLE LENTIGINES SYNDROME; PTPN11-Related LEOPARD Syndrome. Identifiers: Orphanet 500, MedGen C4551484, MONDO:0100082, OMIM 151100.
Cardiovascular phenotype. Identifiers: MedGen CN230736.

gnomAD v4.1: 3 of 1,613,158 alleles (0.00019%); highest among the groups gnomAD compares: Non-Finnish European, 0.00017%; no homozygotes.

Submissions (2):

Ambry Genetics
Classification: Uncertain significance for Cardiovascular phenotype. Last evaluated: 2025-12-11. Review status: criteria provided, single submitter. Criteria: Ambry Variant Classification Scheme 2023. Collection method: clinical testing. Allele origin: germline.
Comment: The p.D294G variant (also known as c.881A>G), located in coding exon 8 of the PTPN11 gene, results from an A to G substitution at nucleotide position 881. The aspartic acid at codon 294 is replaced by glycine, an amino acid with similar properties. This amino acid position is conserved. In addition, this alteration is predicted to be deleterious by in silico analysis. Based on the available evidence, the clinical significance of this variant remains unclear.

Fulgent Genetics
Classification: Uncertain significance for LEOPARD syndrome 1; Metachondromatosis; Noonan syndrome 1; Juvenile myelomonocytic leukemia. Last evaluated: 2024-03-13. Review status: criteria provided, single submitter. Criteria: ACMG Guidelines, 2015. Collection method: clinical testing. Allele origin: germline.

NM_002834.5(PTPN11):c.881A>G (p.Asp294Gly)

Gene: PTPN11 (protein tyrosine phosphatase non-receptor type 11; plus strand). Cytogenetic location: 12q24.13.
Variant type: single nucleotide variant.
Coding change: c.881A>G on transcript NM_002834.5 (MANE Select); coding-DNA position 881, A replaced by G.
Protein change: p.Asp294Gly; replaces aspartic acid 294 with glycine.
Molecular consequence: missense variant.
Genome position (GRCh38, 1-based): chr12:112,477,678, A>G. VCF-style: chr12-112477678-A-G. GRCh37 (hg19) VCF-style: chr12-112915482-A-G.
Other names: c.881A>G, p.Asp294Gly (NM_001330437.2, NM_080601.3); c.878A>G, p.Asp293Gly (NM_001374625.1); short protein forms D293G, D294G.
Identifiers: ClinVar variation 3574268 (VCV003574268.2).